The following is an entry in ClinVar:

NM_001963.6(EGF):c.3484G>A (p.Glu1162Lys)

Gene: EGF (epidermal growth factor; plus strand). Cytogenetic location: 4q25.
Variant type: single nucleotide variant.
Coding change: c.3484G>A on transcript NM_001963.6 (MANE Select); coding-DNA position 3484, G replaced by A.
Protein change: p.Glu1162Lys; replaces glutamic acid 1162 with lysine.
Molecular consequence: missense variant. On other transcripts: 3 prime UTR variant (1).
Genome position (GRCh38, 1-based): chr4:110,011,315, G>A. VCF-style: chr4-110011315-G-A. GRCh37 (hg19) VCF-style: chr4-110932471-G-A.
Other names: c.3361G>A, p.Glu1121Lys (NM_001178130.3); c.3358G>A, p.Glu1120Lys (NM_001178131.3); c.*3G>A (NM_001357021.2); short protein forms E1120K, E1121K, E1162K.
Identifiers: ClinVar variation 1939011 (VCV001939011.5), dbSNP rs760581670, ClinGen allele CA3044290.

ClinVar aggregate classification (germline): Uncertain significance (1 of 4 stars; one submission).

Allele frequency attached by ClinVar (database versions not stated): ExAC 0.00001; gnomAD 0.00001.
gnomAD v4.1: 1 of 1,613,998 alleles (0.000062%); highest among the groups gnomAD compares: Admixed American, 0.0017%; no homozygotes.

Submission:

Labcorp Genetics (formerly Invitae), Labcorp
Classification: Uncertain significance. Last evaluated: 2022-07-21. Review status: criteria provided, single submitter. Criteria: Invitae Variant Classification Sherloc (09022015). Collection method: clinical testing. Allele origin: germline.
Comment: Algorithms developed to predict the effect of missense changes on protein structure and function output the following: SIFT: "Not Available"; PolyPhen-2: "Benign"; Align-GVGD: "Not Available". The lysine amino acid residue is found in multiple mammalian species, which suggests that this missense change does not adversely affect protein function. This variant has not been reported in the literature in individuals affected with EGF-related conditions. This variant is present in population databases (rs760581670, gnomAD 0.003%). This sequence change replaces glutamic acid, which is acidic and polar, with lysine, which is basic and polar, at codon 1162 of the EGF protein (p.Glu1162Lys). In summary, the available evidence is currently insufficient to determine the role of this variant in disease. Therefore, it has been classified as a Variant of Uncertain Significance.